The following is an entry in ClinVar:

NM_000501.4(ELN):c.798C>T (p.Phe266=)

Gene: ELN (elastin; plus strand). Cytogenetic location: 7q11.23.
Variant type: single nucleotide variant.
Coding change: c.798C>T on transcript NM_000501.4 (MANE Select); coding-DNA position 798, C replaced by T.
Protein change: p.Phe266=; no amino-acid change (phenylalanine 266 retained).
Molecular consequence: synonymous variant.
Genome position (GRCh38, 1-based): chr7:74,048,555, C>T. VCF-style: chr7-74048555-C-T. GRCh37 (hg19) VCF-style: chr7-73462885-C-T.
Other names: c.768C>T, p.Phe256= (NM_001081752.3, NM_001278917.2); c.813C>T, p.Phe271= (NM_001081753.3, NM_001081754.3); c.798C>T, p.Phe266= (NM_001081755.3, NM_001278912.2, NM_001278915.2 and 1 more transcripts); c.690C>T, p.Phe230= (NM_001278913.2); c.783C>T, p.Phe261= (NM_001278914.2); c.756C>T, p.Phe252= (NM_001278916.2); c.666C>T, p.Phe222= (NM_001278918.2).
Identifiers: ClinVar variation 1498945 (VCV001498945.6), dbSNP rs552274876, ClinGen allele CA4292695.
Genomic context (GRCh38, chr7:74,048,555, plus strand): 5'-TCCCCCAGGGGTTGGCCCCCAGGCAGCAGCAGCAGCGGCAGCTAAAGCAGCAGCAAAGTT[C>T]GGTGAGTGCCCCTGGAGTCCCCACCTGGTGGCCTCCAGGCCCCTAGCCTCTCCATTCCCA-3'
Protein context (NP_000492.2, residues 256-276): AAAAAKAAAK[Phe266=]GAGAAGVLPG

ClinVar aggregate classification (germline): Uncertain significance (1 of 4 stars; one submission).

Conditions:
Supravalvar aortic stenosis (SVAS). Also called: Supravalvar aortic stenosis, Eisenberg type. Identifiers: Orphanet 3193, MedGen C0003499, MONDO:0008504, OMIM 185500, HP:0004381.

Allele frequency attached by ClinVar (database versions not stated): gnomAD exomes below 0.00001 and 0.00001; TOPMed below 0.00001; ExAC 0.00001; gnomAD 0.00001; 1000 Genomes Project 30x 0.00016; 1000 Genomes Project 0.00020.
gnomAD v4.1: 15 of 1,613,868 alleles (0.00093%); highest among the groups gnomAD compares: African/African-American, 0.004%; no homozygotes.

Submission:

Labcorp Genetics (formerly Invitae), Labcorp
Classification: Uncertain significance for Supravalvar aortic stenosis. Last evaluated: 2022-08-31. Review status: criteria provided, single submitter. Criteria: Invitae Variant Classification Sherloc (09022015). Collection method: clinical testing. Allele origin: germline.
Comment: In summary, the available evidence is currently insufficient to determine the role of this variant in disease. Therefore, it has been classified as a Variant of Uncertain Significance. Algorithms developed to predict the effect of sequence changes on RNA splicing suggest that this variant is not likely to affect RNA splicing. ClinVar contains an entry for this variant (Variation ID: 1498945). This variant has not been reported in the literature in individuals affected with ELN-related conditions. This variant is present in population databases (rs552274876, gnomAD 0.0009%). This sequence change affects codon 266 of the ELN mRNA. It is a 'silent' change, meaning that it does not change the encoded amino acid sequence of the ELN protein. It affects a nucleotide within the consensus splice site.